The following is an entry in ClinVar:

ClinVar aggregate classification (germline): Uncertain significance (1 of 4 stars; one submission).

Conditions:
Pitt-Hopkins-like syndrome 2 (PTHSL2). Identifiers: Orphanet 221150, Orphanet 600663, MedGen C3280479, MONDO:0013690, OMIM 614325.

Allele frequency attached by ClinVar (database versions not stated): gnomAD exomes below 0.00001; ExAC 0.00001; gnomAD 0.00001.
gnomAD v4.1: 5 of 1,602,860 alleles (0.00031%); highest among the groups gnomAD compares: Admixed American, 0.0033%; no homozygotes.

Submission:

Labcorp Genetics (formerly Invitae), Labcorp
Classification: Uncertain significance for Pitt-Hopkins-like syndrome 2. Last evaluated: 2023-12-06. Review status: criteria provided, single submitter. Criteria: Invitae Variant Classification Sherloc (09022015). Collection method: clinical testing. Allele origin: germline.
Comment: This sequence change replaces aspartic acid, which is acidic and polar, with glycine, which is neutral and non-polar, at codon 106 of the NRXN1 protein (p.Asp106Gly). This variant is present in population databases (rs199714477, gnomAD 0.003%). This variant has not been reported in the literature in individuals affected with NRXN1-related conditions. An algorithm developed to predict the effect of missense changes on protein structure and function (PolyPhen-2) suggests that this variant is likely to be tolerated. In summary, the available evidence is currently insufficient to determine the role of this variant in disease. Therefore, it has been classified as a Variant of Uncertain Significance.

NM_001330078.2(NRXN1):c.317A>G (p.Asp106Gly)

Gene: NRXN1 (neurexin 1; minus strand). Cytogenetic location: 2p16.3.
Variant type: single nucleotide variant.
Coding change: c.317A>G on transcript NM_001330078.2 (MANE Select); coding-DNA position 317, A replaced by G.
Protein change: p.Asp106Gly; replaces aspartic acid 106 with glycine.
Molecular consequence: missense variant.
Genome position (GRCh38, 1-based): chr2:51,027,957, T>C on the plus strand (A>G on the coding strand, the complement: NRXN1 is on the minus strand). VCF-style: chr2-51027957-T-C. GRCh37 (hg19) VCF-style: chr2-51255095-T-C.
Other names: c.317A>G, p.Asp106Gly (NM_001330086.2, NM_001330087.2, NM_001330088.2 and 15 more transcripts); short protein forms D106G.
Identifiers: ClinVar variation 2999440 (VCV002999440.3), dbSNP rs199714477, ClinGen allele CA1655522.